The following is an entry in ClinVar:

NM_024664.4(PPCS):c.221T>C (p.Leu74Pro)

Genes: CCDC30 (coiled-coil domain containing 30; plus strand), PPCS (phosphopantothenoylcysteine synthetase; plus strand), LOC129930344 (ATAC-STARR-seq lymphoblastoid active region 894; plus strand). Cytogenetic location: 1p34.2.
Variant type: single nucleotide variant.
Coding change: c.221T>C on transcript NM_024664.4 (MANE Select); coding-DNA position 221, T replaced by C.
Protein change: p.Leu74Pro; replaces leucine 74 with proline.
Molecular consequence: missense variant. On other transcripts: 5 prime UTR variant (1), intron variant (6).
Genome position (GRCh38, 1-based): chr1:42,456,786, T>C. VCF-style: chr1-42456786-T-C. GRCh37 (hg19) VCF-style: chr1-42922457-T-C.
Other names: c.-472T>C (NM_001287510.2); c.221T>C, p.Leu74Pro (NM_001287511.2); c.-984+287T>C (NM_001355226.2); c.-328+287T>C (NM_001287507.1); c.-12+287T>C (NM_001287506.1); c.-12+62T>C (NM_001287508.2); c.-12+158T>C (NM_001077447.3); c.-12+203T>C (NM_001287509.2); short protein forms L74P.
Identifiers: ClinVar variation 1513347 (VCV001513347.7), dbSNP rs200889086, ClinGen allele CA21216945.
Genomic context (GRCh38, chr1:42,456,786, plus strand): 5'-TGCGCTTCCTGGACAACTTCAGCAGCGGGCGGCGCGGTGCAACCTCGGCCGAGGCCTTCC[T>C]AGCCGCCGGCTACGGGGTCCTGTTCTTGTATCGCGCTCGCTCTGCCTTCCCCTATGCCCA-3'
Protein context (NP_078940.2, residues 64-84): RRGATSAEAF[Leu74Pro]AAGYGVLFLY

ClinVar aggregate classification (germline): Uncertain significance. Review status: criteria provided, multiple submitters, no conflicts (2 of 4 stars). 2 submissions from 2 submitters: Uncertain significance (2). Last evaluated 2022-08-23.

Conditions:
Inborn genetic diseases. Identifiers: MedGen C0950123, MeSH D030342.

Allele frequency attached by ClinVar (database versions not stated): gnomAD exomes below 0.00001.
gnomAD v4.1: 5 of 1,613,080 alleles (0.00031%); highest among the groups gnomAD compares: Non-Finnish European, 0.00042%; no homozygotes.

Submissions (2):

Labcorp Genetics (formerly Invitae), Labcorp
Classification: Uncertain significance. Last evaluated: 2022-08-23. Review status: criteria provided, single submitter. Criteria: Invitae Variant Classification Sherloc (09022015). Collection method: clinical testing. Allele origin: germline.
Comment: This sequence change replaces leucine, which is neutral and non-polar, with proline, which is neutral and non-polar, at codon 74 of the PPCS protein (p.Leu74Pro). This variant is present in population databases (rs200889086, gnomAD 0.0009%). This variant has not been reported in the literature in individuals affected with PPCS-related conditions. ClinVar contains an entry for this variant (Variation ID: 1513347). Algorithms developed to predict the effect of missense changes on protein structure and function are either unavailable or do not agree on the potential impact of this missense change (SIFT: "Deleterious"; PolyPhen-2: "Probably Damaging"; Align-GVGD: "Class C0"). In summary, the available evidence is currently insufficient to determine the role of this variant in disease. Therefore, it has been classified as a Variant of Uncertain Significance.

Ambry Genetics
Classification: Uncertain significance for Inborn genetic diseases. Last evaluated: 2022-07-11. Review status: criteria provided, single submitter. Criteria: Ambry Variant Classification Scheme 2023. Collection method: clinical testing. Allele origin: germline.